The following is an entry in ClinVar:

ClinVar aggregate classification (germline): Uncertain significance (1 of 4 stars; one submission).

Conditions:
Charcot-Marie-Tooth disease axonal type 2O. Also called: CHARCOT-MARIE-TOOTH NEUROPATHY, AXONAL, TYPE 2O; CHARCOT-MARIE-TOOTH DISEASE, AXONAL, AUTOSOMAL DOMINANT, TYPE 2O; Charcot-Marie-Tooth Neuropathy Type 2O; Charcot-Marie-Tooth disease, axonal, type 20. Identifiers: Orphanet 284232, MedGen C3280220, MONDO:0013644, OMIM 614228.

Allele frequency attached by ClinVar (database versions not stated): gnomAD exomes below 0.00001; TOPMed 0.00001; gnomAD 0.00002.
gnomAD v4.1: 9 of 1,614,104 alleles (0.00056%); highest among the groups gnomAD compares: African/African-American, 0.012%; no homozygotes.

Submission:

Labcorp Genetics (formerly Invitae), Labcorp
Classification: Uncertain significance for Charcot-Marie-Tooth disease axonal type 2O. Last evaluated: 2025-02-13. Review status: criteria provided, single submitter. Criteria: Invitae Variant Classification Sherloc (09022015). Collection method: clinical testing. Allele origin: germline.
Comment: This sequence change replaces glutamic acid, which is acidic and polar, with glutamine, which is neutral and polar, at codon 3976 of the DYNC1H1 protein (p.Glu3976Gln). This variant is not present in population databases (gnomAD no frequency). This variant has not been reported in the literature in individuals affected with DYNC1H1-related conditions. ClinVar contains an entry for this variant (Variation ID: 1525906). Invitae Evidence Modeling of protein sequence and biophysical properties (such as structural, functional, and spatial information, amino acid conservation, physicochemical variation, residue mobility, and thermodynamic stability) indicates that this missense variant is not expected to disrupt DYNC1H1 protein function with a negative predictive value of 95%. In summary, the available evidence is currently insufficient to determine the role of this variant in disease. Therefore, it has been classified as a Variant of Uncertain Significance.

NM_001376.5(DYNC1H1):c.11926G>C (p.Glu3976Gln)

Gene: DYNC1H1 (dynein cytoplasmic 1 heavy chain 1; plus strand). Cytogenetic location: 14q32.31.
Variant type: single nucleotide variant.
Coding change: c.11926G>C on transcript NM_001376.5 (MANE Select); coding-DNA position 11926, G replaced by C.
Protein change: p.Glu3976Gln; replaces glutamic acid 3976 with glutamine.
Molecular consequence: missense variant.
Genome position (GRCh38, 1-based): chr14:102,040,658, G>C. VCF-style: chr14-102040658-G-C. GRCh37 (hg19) VCF-style: chr14-102506995-G-C.
Other names: short protein forms E3976Q.
Identifiers: ClinVar variation 1525906 (VCV001525906.8), dbSNP rs1459731964, ClinGen allele CA391037410.